The following is an entry in ClinVar:

ClinVar aggregate classification (germline): Likely benign. Review status: criteria provided, single submitter (1 of 4 stars). 2 submissions from 2 submitters: Likely benign (1). 1 of the submissions does not count toward it. Last evaluated 2024-07-27.

Conditions:
Pontocerebellar hypoplasia type 1B. Also called: EXOSC3 Pontocerebellar Hypoplasia. Identifiers: Orphanet 2254, MedGen C3553449, MONDO:0013853, OMIM 614678.
EXOSC3-related disorder. Also called: EXOSC3-related condition.

Allele frequency attached by ClinVar (database versions not stated): ESP Exome Variant Server 0.00008.

Submissions (2):

Labcorp Genetics (formerly Invitae), Labcorp
Classification: Likely benign for Pontocerebellar hypoplasia type 1B. Last evaluated: 2024-07-27. Review status: criteria provided, single submitter. Criteria: Invitae Variant Classification Sherloc (09022015). Collection method: clinical testing. Allele origin: germline.

PreventionGenetics, part of Exact Sciences
Classification: Likely benign for EXOSC3-related condition. Last evaluated: 2022-04-26. Review status: no assertion criteria provided. Collection method: clinical testing. Allele origin: germline. Not counted in ClinVar's aggregate classification.
Comment: This variant is classified as likely benign based on ACMG/AMP sequence variant interpretation guidelines (Richards et al. 2015 PMID: 25741868, with internal and published modifications).

NM_016042.4(EXOSC3):c.234G>C (p.Leu78=)

Gene: EXOSC3 (exosome component 3; minus strand). Cytogenetic location: 9p13.2.
Variant type: single nucleotide variant.
Coding change: c.234G>C on transcript NM_016042.4 (MANE Select); coding-DNA position 234, G replaced by C.
Protein change: p.Leu78=; no amino-acid change (leucine 78 retained).
Molecular consequence: synonymous variant.
Genome position (GRCh38, 1-based): chr9:37,784,811, C>G on the plus strand (G>C on the coding strand, the complement: EXOSC3 is on the minus strand). VCF-style: chr9-37784811-C-G. GRCh37 (hg19) VCF-style: chr9-37784808-C-G.
Other names: c.234G>C (NM_016042.3); c.234G>C, p.Leu78= (NM_001002269.2).
Identifiers: ClinVar variation 2958688 (VCV002958688.5), dbSNP rs368960548, ClinGen allele CA5062822.